The following is an entry in ClinVar:

ClinVar aggregate classification (germline): Benign. Review status: criteria provided, multiple submitters, no conflicts (2 of 4 stars). 2 submissions from 2 submitters: Benign (2). Last evaluated 2026-09-21.

Submissions (2):

Molecular Diagnostic Laboratory for Inherited Cardiovascular Disease, Montreal Heart Institute
Classification: Benign. Last evaluated: 2026-09-21. Review status: criteria provided, single submitter. Criteria: ACMG Guidelines, 2015. Collection method: clinical testing. Allele origin: germline. Affected: no.
Comment: BA1

GeneDx
Classification: Benign. Last evaluated: 2019-08-21. Review status: criteria provided, single submitter. Criteria: GeneDx Variant Classification Process June 2021. Collection method: clinical testing. Allele origin: germline. Affected: yes.

NM_000393.5(COL5A2):c.2337+29del

Gene: COL5A2 (collagen type V alpha 2 chain; minus strand). Cytogenetic location: 2q32.2.
Variant type: Deletion.
Coding change: c.2337+29del on transcript NM_000393.5 (MANE Select); 29 bases into the intron after coding-DNA position 2337, one base deleted (T; older notation c.2337+29delT).
Molecular consequence: intron variant.
Genome position (GRCh38, 1-based): chr2:189,057,291, A deleted on the plus strand (T on the coding strand, the reverse complement: COL5A2 is on the minus strand); the first of 21 consecutive A bases (chr2:189,057,291-189,057,311); deleting any one gives the same sequence. VCF-style (leftmost placement, unchanged base first): chr2-189057290-GA-G. GRCh37 (hg19) VCF-style: chr2-189922016-GA-G.
Other names: c.2337+29del (NM_000393.4).
Identifiers: ClinVar variation 1271642 (VCV001271642.2), dbSNP rs34715449, ClinGen allele CA2022372.